The following is an entry in ClinVar:

NM_001042492.3(NF1):c.3016del (p.Val1006fs)

Gene: NF1 (neurofibromin 1; plus strand). Cytogenetic location: 17q11.2.
Variant type: Deletion.
Coding change: c.3016del on transcript NM_001042492.3 (MANE Select); coding-DNA position 3016, one base deleted (G; older notation c.3016delG).
Protein change: p.Val1006fs; shifts the reading frame from valine 1006.
Molecular consequence: frameshift variant.
Genome position (GRCh38, 1-based): chr17:31,230,285, G deleted; the last of 2 consecutive G bases (chr17:31,230,284-31,230,285); deleting either gives the same sequence. VCF-style (leftmost placement, unchanged base first): chr17-31230283-TG-T. GRCh37 (hg19) VCF-style: chr17-29557301-TG-T.
Other names: c.3016delG, p.Val1006Serfs (NM_000267.4); short protein forms V1006fs.
Identifiers: ClinVar variation 2099620 (VCV002099620.4), dbSNP rs2508205254, ClinGen allele CA2580092807.

ClinVar aggregate classification (germline): Pathogenic (1 of 4 stars; one submission).

Conditions:
Neurofibromatosis, type 1 (NF1). Also called: Peripheral type neurofibromatosis; NEUROFIBROMATOSIS, TYPE I, SOMATIC; VON RECKLINGHAUSEN DISEASE; Neurofibromatosis, type I. Identifiers: Orphanet 636, MedGen C0027831, MONDO:0018975, OMIM 162200. Disease mechanism: loss of function.

Submission:

Labcorp Genetics (formerly Invitae), Labcorp
Classification: Pathogenic for Neurofibromatosis, type 1. Last evaluated: 2022-09-19. Review status: criteria provided, single submitter. Criteria: Invitae Variant Classification Sherloc (09022015). Collection method: clinical testing. Allele origin: germline.
Comment: This sequence change creates a premature translational stop signal (p.Val1006Serfs*6) in the NF1 gene. It is expected to result in an absent or disrupted protein product. Loss-of-function variants in NF1 are known to be pathogenic (PMID: 10712197, 23913538). This variant is not present in population databases (gnomAD no frequency). This variant has not been reported in the literature in individuals affected with NF1-related conditions. For these reasons, this variant has been classified as Pathogenic.

Literature cited by the submitters: PubMed 10712197; PubMed 23913538.